The following is an entry in ClinVar:

NM_000083.3(CLCN1):c.1117_1122del (p.Met373_Leu374del)

Gene: CLCN1 (chloride voltage-gated channel 1; plus strand). Cytogenetic location: 7q34.
Variant type: Deletion.
Coding change: c.1117_1122del on transcript NM_000083.3 (MANE Select); coding-DNA positions 1117 to 1122, 6 bases deleted (ATGCTC; older notation c.1117_1122delATGCTC).
Protein change: p.Met373_Leu374del.
Molecular consequence: non-coding transcript variant (on NR_046453.2).
Genome position (GRCh38, 1-based): chr7:143,331,603-143,331,608, ATGCTC deleted; deleting any 6 consecutive bases within chr7:143,331,601-143,331,608 gives the same sequence; the c. name uses the placement nearest the transcript's 3' end. VCF-style (leftmost placement, unchanged base first): chr7-143331600-GTCATGC-G. GRCh37 (hg19) VCF-style: chr7-143028693-GTCATGC-G.
Identifiers: ClinVar variation 4793276 (VCV004793276.1).
Genomic context (GRCh38, chr7:143,331,600, plus strand): 5'-TACACCCTCAGGATTTGCTGTGGGCTCCTGGGAGCTGTATTTGTGTATCTGCATCGCCAA[GTCATGC>G]TCGGTGTCCGAAAGCACAAGGCCCTCAGCCAGTTTCTTGCTAAGCAGTGAGTCACTGCCC-3'

ClinVar aggregate classification (germline): Uncertain significance (1 of 4 stars; one submission).

Conditions:
Congenital myotonia, autosomal dominant form (THD). Also called: THOMSEN DISEASE; Myotonia congenita autosomal dominant. Identifiers: Orphanet 614, MedGen C2936781, MONDO:0008055, OMIM 160800.
Congenital myotonia, autosomal recessive form. Also called: BECKER DISEASE; Becker Generalized Myotonia; myotonia congenita, autosomal recessive. Identifiers: Orphanet 614, MedGen C0751360, MONDO:0009715, OMIM 255700.

Submission:

Labcorp Genetics (formerly Invitae), Labcorp
Classification: Uncertain significance for Congenital myotonia, autosomal recessive form; Congenital myotonia, autosomal dominant form. Last evaluated: 2025-12-29. Review status: criteria provided, single submitter. Criteria: Invitae Variant Classification Sherloc (09022015). Collection method: clinical testing. Allele origin: germline.
Comment: This variant, c.1117_1122del, results in the deletion of 2 amino acid(s) of the CLCN1 protein (p.Met373_Leu374del), but otherwise preserves the integrity of the reading frame. This variant is not present in population databases (gnomAD no frequency). This variant has not been reported in the literature in individuals affected with CLCN1-related conditions. Experimental studies and prediction algorithms are not available or were not evaluated, and the functional significance of this variant is currently unknown. In summary, the available evidence is currently insufficient to determine the role of this variant in disease. Therefore, it has been classified as a Variant of Uncertain Significance.